The following is an entry in ClinVar:

NM_002691.4(POLD1):c.3237C>A (p.Phe1079Leu)

Gene: POLD1 (DNA polymerase delta 1, catalytic subunit; plus strand). Cytogenetic location: 19q13.33.
Variant type: single nucleotide variant.
Coding change: c.3237C>A on transcript NM_002691.4 (MANE Select); coding-DNA position 3237, C replaced by A.
Protein change: p.Phe1079Leu; replaces phenylalanine 1079 with leucine.
Molecular consequence: missense variant. On other transcripts: non-coding transcript variant (1).
Genome position (GRCh38, 1-based): chr19:50,417,860, C>A. VCF-style: chr19-50417860-C-A. GRCh37 (hg19) VCF-style: chr19-50921117-C-A.
Other names: c.3237C>A, p.Phe1079Leu (NM_001256849.1); c.3315C>A, p.Phe1105Leu (NM_001308632.1); short protein forms F1079L, F1105L.
Identifiers: ClinVar variation 582710 (VCV000582710.13), dbSNP rs1568643426, ClinGen allele CA406987723.

ClinVar aggregate classification (germline): Uncertain significance. Review status: criteria provided, multiple submitters, no conflicts (2 of 4 stars). 2 submissions from 2 submitters: Uncertain significance (2). Last evaluated 2025-11-25.

Conditions:
Hereditary cancer-predisposing syndrome. Also called: Tumor predisposition; Neoplastic Syndromes, Hereditary; Hereditary Cancer Syndrome; Hereditary neoplastic syndrome. Identifiers: Orphanet 140162, MedGen C0027672, MeSH D009386, MONDO:0015356.
POLD1-related polyposis and colorectal cancer syndrome (CRCS10). Also called: Colorectal cancer 10; COLORECTAL CANCER, SUSCEPTIBILITY TO, ON CHROMOSOME 19q; Colorectal cancer, susceptibility to, 10. Identifiers: Orphanet 220460, MedGen C2675481, MONDO:0012953, OMIM 612591.

Submissions (2):

Labcorp Genetics (formerly Invitae), Labcorp
Classification: Uncertain significance for POLD1-related polyposis and colorectal cancer syndrome. Last evaluated: 2025-11-25. Review status: criteria provided, single submitter. Criteria: Invitae Variant Classification Sherloc (09022015). Collection method: clinical testing. Allele origin: germline.
Comment: This sequence change replaces phenylalanine, which is neutral and non-polar, with leucine, which is neutral and non-polar, at codon 1079 of the POLD1 protein (p.Phe1079Leu). This variant is not present in population databases (gnomAD no frequency). This variant has not been reported in the literature in individuals affected with POLD1-related conditions. ClinVar contains an entry for this variant (Variation ID: 582710). Invitae Evidence Modeling of protein sequence and biophysical properties (such as structural, functional, and spatial information, amino acid conservation, physicochemical variation, residue mobility, and thermodynamic stability) indicates that this missense variant is expected to disrupt POLD1 protein function with a positive predictive value of 80%. In summary, the available evidence is currently insufficient to determine the role of this variant in disease. Therefore, it has been classified as a Variant of Uncertain Significance.

Ambry Genetics
Classification: Uncertain significance for Hereditary cancer-predisposing syndrome. Last evaluated: 2024-07-13. Review status: criteria provided, single submitter. Criteria: Ambry Variant Classification Scheme 2023. Collection method: clinical testing. Allele origin: germline.
Comment: The p.F1079L variant (also known as c.3237C>A), located in coding exon 26 of the POLD1 gene, results from a C to A substitution at nucleotide position 3237. The phenylalanine at codon 1079 is replaced by leucine, an amino acid with highly similar properties. This amino acid position is conserved. In addition, this alteration is predicted to be tolerated by in silico analysis. Since supporting evidence is limited at this time, the clinical significance of this alteration remains unclear.